The following is an entry in ClinVar:

NM_016401.4(HIKESHI):c.31-4C>T

Gene: HIKESHI (heat shock protein nuclear import factor hikeshi; plus strand). Cytogenetic location: 11q14.2.
Variant type: single nucleotide variant.
Coding change: c.31-4C>T on transcript NM_016401.4 (MANE Select); 4 bases into the intron before coding-DNA position 31, C replaced by T.
Molecular consequence: intron variant.
Genome position (GRCh38, 1-based): chr11:86,306,241, C>T. VCF-style: chr11-86306241-C-T. GRCh37 (hg19) VCF-style: chr11-86017283-C-T.
Other names: c.-87-4C>T (NM_001322407.2, NM_001322409.2); c.31-4C>T (NM_001322404.2).
Identifiers: ClinVar variation 717556 (VCV000717556.53), dbSNP rs199509279, ClinGen allele CA6216660.

ClinVar aggregate classification (germline): Likely benign. Review status: criteria provided, multiple submitters, no conflicts (2 of 4 stars). 4 submissions from 4 submitters: Likely benign (4). Last evaluated 2026-01-26.

Allele frequency attached by ClinVar (database versions not stated): gnomAD exomes 0.00075; ExAC 0.00083; TOPMed 0.00097; gnomAD 0.00099 and 0.00105; ESP Exome Variant Server 0.00115.
gnomAD v4.1: 2,305 of 1,600,906 alleles (0.14%); highest among the groups gnomAD compares: Non-Finnish European, 0.18%; 3 homozygotes.

Submissions (4):

Labcorp Genetics (formerly Invitae), Labcorp
Classification: Likely benign. Last evaluated: 2026-01-26. Review status: criteria provided, single submitter. Criteria: Invitae Variant Classification Sherloc (09022015). Collection method: clinical testing. Allele origin: germline.

CeGaT Center for Human Genetics Tuebingen
Classification: Likely benign. Last evaluated: 2025-10-01. Review status: criteria provided, single submitter. Criteria: CeGaT Center For Human Genetics Tuebingen Variant Classification Criteria Version 2. Collection method: clinical testing. Allele origin: germline. Affected: yes. Observed: 3 variant alleles.
Comment: HIKESHI: BP4

Laboratory of Genetics, Children's Clinical University Hospital Latvia
Classification: Likely benign. Last evaluated: 2025-02-16. Review status: criteria provided, single submitter. Criteria: ACMG Guidelines, 2015. Collection method: clinical testing. Allele origin: germline. Affected: yes.

Women's Health and Genetics/Laboratory Corporation of America, LabCorp
Classification: Likely benign. Last evaluated: 2025-02-06. Review status: criteria provided, single submitter. Criteria: LabCorp Variant Classification Summary - May 2015. Collection method: clinical testing. Allele origin: germline.
Comment: Variant summary: HIKESHI c.31-4C>T alters a conserved nucleotide located close to a canonical splice site and therefore could affect mRNA splicing, leading to a significantly altered protein sequence. Consensus agreement among computation tools predict no significant impact on normal splicing. However, these predictions have yet to be confirmed by functional studies. The variant allele was found at a frequency of 0.0014 in 1600906 control chromosomes in the gnomAD database (v4.1 dataset), including 3 homozygotes. To our knowledge, no occurrence of c.31-4C>T in individuals affected with Hypomyelinating Leukodystrophy 13 and no experimental evidence demonstrating its impact on protein function have been reported. ClinVar contains an entry for this variant (Variation ID: 717556). Based on the evidence outlined above, the variant was classified as likely benign.